The following is an entry in ClinVar:

ClinVar aggregate classification (germline): Likely benign (0 of 4 stars; one submission).

Conditions:
CPT1C-related disorder. Also called: CPT1C-related condition.

Allele frequency attached by ClinVar (database versions not stated): ExAC 0.00001; gnomAD 0.00001; gnomAD exomes 0.00001; TOPMed 0.00001.
gnomAD v4.1: 14 of 1,613,932 alleles (0.00087%); highest among the groups gnomAD compares: East Asian, 0.0089%; no homozygotes.

Submission:

PreventionGenetics, part of Exact Sciences
Classification: Likely benign for CPT1C-related condition. Last evaluated: 2019-03-22. Review status: no assertion criteria provided. Collection method: clinical testing. Allele origin: germline.
Comment: This variant is classified as likely benign based on ACMG/AMP sequence variant interpretation guidelines (Richards et al. 2015 PMID: 25741868, with internal and published modifications).

NM_001199753.2(CPT1C):c.1782C>T (p.Phe594=)

Gene: CPT1C (carnitine palmitoyltransferase 1C; plus strand). Cytogenetic location: 19q13.33.
Variant type: single nucleotide variant.
Coding change: c.1782C>T on transcript NM_001199753.2 (MANE Select); coding-DNA position 1782, C replaced by T.
Protein change: p.Phe594=; no amino-acid change (phenylalanine 594 retained).
Molecular consequence: synonymous variant. On other transcripts: non-coding transcript variant (1), intron variant (3).
Genome position (GRCh38, 1-based): chr19:49,710,773, C>T. VCF-style: chr19-49710773-C-T. GRCh37 (hg19) VCF-style: chr19-50214030-C-T.
Other names: c.1749C>T, p.Phe583= (NM_001136052.3, NM_001378485.1); c.1782C>T, p.Phe594= (NM_001199752.3, NM_001378483.1, NM_001378484.1 and 1 more transcripts); c.1848C>T, p.Phe616= (NM_001378482.1); c.1731+289C>T (NM_001378486.1, NM_001378488.1); c.1698+289C>T (NM_001378487.1).
Identifiers: ClinVar variation 3047602 (VCV003047602.2), dbSNP rs376737655, ClinGen allele CA9582322.